The following is an entry in ClinVar:

ClinVar aggregate classification (germline): Uncertain significance (1 of 4 stars; one submission).

Conditions:
Hereditary cancer-predisposing syndrome. Also called: Neoplastic Syndromes, Hereditary; Tumor predisposition; Hereditary neoplastic syndrome; Hereditary Cancer Syndrome. Identifiers: Orphanet 140162, MedGen C0027672, MeSH D009386, MONDO:0015356.

Submission:

Ambry Genetics
Classification: Uncertain significance for Hereditary cancer-predisposing syndrome. Last evaluated: 2023-03-06. Review status: criteria provided, single submitter. Criteria: Ambry Variant Classification Scheme 2023. Collection method: clinical testing. Allele origin: germline.
Comment: The p.S328N variant (also known as c.983G>A), located in coding exon 4 of the MSH6 gene, results from a G to A substitution at nucleotide position 983. The serine at codon 328 is replaced by asparagine, an amino acid with highly similar properties. This amino acid position is conserved. In addition, this alteration is predicted to be tolerated by in silico analysis. Since supporting evidence is limited at this time, the clinical significance of this alteration remains unclear.

NM_000179.3(MSH6):c.983G>A (p.Ser328Asn)

Gene: MSH6 (mutS homolog 6; plus strand). Cytogenetic location: 2p16.3.
Variant type: single nucleotide variant.
Coding change: c.983G>A on transcript NM_000179.3 (MANE Select); coding-DNA position 983, G replaced by A.
Protein change: p.Ser328Asn; replaces serine 328 with asparagine.
Molecular consequence: missense variant. On other transcripts: non-coding transcript variant (4), intron variant (1).
Genome position (GRCh38, 1-based): chr2:47,798,966, G>A. VCF-style: chr2-47798966-G-A. GRCh37 (hg19) VCF-style: chr2-48026105-G-A.
Other names: c.593G>A, p.Ser198Asn (NM_001281492.2); c.77G>A, p.Ser26Asn (NM_001281493.2, NM_001281494.2, NM_001406811.1 and 6 more transcripts); c.1079G>A, p.Ser360Asn (NM_001406795.1, NM_001406802.1); c.983G>A, p.Ser328Asn (NM_001406796.1, NM_001406798.1, NM_001406800.1 and 4 more transcripts); c.686G>A, p.Ser229Asn (NM_001406797.1, NM_001406801.1, NM_001406805.1 and 10 more transcripts); c.458G>A, p.Ser153Asn (NM_001406799.1, NM_001406806.1, NM_001406807.1); c.905G>A, p.Ser302Asn (NM_001406804.1); c.989G>A, p.Ser330Asn (NM_001406813.1); and 2 more; short protein forms S153N, S272N, S302N, S198N, S229N, S330N, S26N, S328N.
Identifiers: ClinVar variation 2453218 (VCV002453218.2), dbSNP rs1060502879, ClinGen allele CA346741053.
Genomic context (GRCh38, chr2:47,798,966, plus strand): 5'-GCTCTCTTAAAAGGAAAAGCTCTAGGAAGGAAACGCCCTCAGCCACCAAACAAGCAACTA[G>A]CATTTCATCAGAAACCAAGAATACTTTGAGAGCTTTCTCTGCCCCTCAAAATTCTGAATC-3'
Protein context (NP_000170.1, residues 318-338): ETPSATKQAT[Ser328Asn]ISSETKNTLR